The following is an entry in ClinVar:

NM_006904.7(PRKDC):c.2450C>G (p.Ala817Gly)

Gene: PRKDC (protein kinase, DNA-activated, catalytic subunit; minus strand). Cytogenetic location: 8q11.21.
Variant type: single nucleotide variant.
Coding change: c.2450C>G on transcript NM_006904.7 (MANE Select); coding-DNA position 2450, C replaced by G.
Protein change: p.Ala817Gly; replaces alanine 817 with glycine.
Molecular consequence: missense variant.
Genome position (GRCh38, 1-based): chr8:47,918,353, G>C on the plus strand (C>G on the coding strand, the complement: PRKDC is on the minus strand). VCF-style: chr8-47918353-G-C. GRCh37 (hg19) VCF-style: chr8-48830913-G-C.
Other names: c.2450C>G, p.Ala817Gly (NM_001081640.2); short protein forms A817G.
Identifiers: ClinVar variation 1791478 (VCV001791478.2), dbSNP rs765915429, ClinGen allele CA4741448.

ClinVar aggregate classification (germline): Uncertain significance (1 of 4 stars; one submission).

Allele frequency attached by ClinVar (database versions not stated): gnomAD exomes below 0.00001; TOPMed below 0.00001; ExAC 0.00004.
gnomAD v4.1: 8 of 1,590,978 alleles (0.0005%); highest among the groups gnomAD compares: East Asian, 0.013%; no homozygotes.

Submission:

Ambry Genetics
Classification: Uncertain significance. Last evaluated: 2021-09-23. Review status: criteria provided, single submitter. Criteria: Ambry Variant Classification Scheme 2023. Collection method: clinical testing. Allele origin: germline.
Comment: The p.A817G variant (also known as c.2450C>G), located in coding exon 22 of the PRKDC gene, results from a C to G substitution at nucleotide position 2450. The alanine at codon 817 is replaced by glycine, an amino acid with similar properties. This amino acid position is conserved. In addition, this alteration is predicted to be tolerated by in silico analysis. Since supporting evidence is limited at this time, the clinical significance of this alteration remains unclear.